The following is an entry in ClinVar:

ClinVar aggregate classification (germline): Uncertain significance (1 of 4 stars; one submission).

Submission:

Ambry Genetics
Classification: Uncertain significance. Last evaluated: 2023-02-24. Review status: criteria provided, single submitter. Criteria: Ambry Variant Classification Scheme 2023. Collection method: clinical testing. Allele origin: germline.
Comment: The p.N254S variant (also known as c.761A>G), located in coding exon 1 of the PALLD gene, results from an A to G substitution at nucleotide position 761. The asparagine at codon 254 is replaced by serine, an amino acid with highly similar properties. This amino acid position is conserved. In addition, this alteration is predicted to be tolerated by in silico analysis. Since supporting evidence is limited at this time, the clinical significance of this alteration remains unclear.

NM_001166108.2(PALLD):c.761A>G (p.Asn254Ser)

Gene: PALLD (palladin, cytoskeletal associated protein; plus strand). Cytogenetic location: 4q32.3.
Variant type: single nucleotide variant.
Coding change: c.761A>G on transcript NM_001166108.2 (MANE Select); coding-DNA position 761, A replaced by G.
Protein change: p.Asn254Ser; replaces asparagine 254 with serine.
Molecular consequence: missense variant.
Genome position (GRCh38, 1-based): chr4:168,512,265, A>G. VCF-style: chr4-168512265-A-G. GRCh37 (hg19) VCF-style: chr4-169433416-A-G.
Other names: c.761A>G, p.Asn254Ser (NM_016081.4); short protein forms N254S.
Identifiers: ClinVar variation 2448503 (VCV002448503.2), dbSNP rs2531436480, ClinGen allele CA358728253.